The following is an entry in ClinVar:

ClinVar aggregate classification (germline): Uncertain significance (1 of 4 stars; one submission).

Conditions:
Spastic paraplegia. Identifiers: MedGen C0037772, HP:0001258.

gnomAD v4.1: 4 of 1,605,472 alleles (0.00025%); highest among the groups gnomAD compares: African/African-American, 0.0054%; no homozygotes.

Submission:

Labcorp Genetics (formerly Invitae), Labcorp
Classification: Uncertain significance for Spastic paraplegia. Last evaluated: 2022-03-23. Review status: criteria provided, single submitter. Criteria: Invitae Variant Classification Sherloc (09022015). Collection method: clinical testing. Allele origin: germline.
Comment: In summary, the available evidence is currently insufficient to determine the role of this variant in disease. Therefore, it has been classified as a Variant of Uncertain Significance. Variants that disrupt the consensus splice site are a relatively common cause of aberrant splicing (PMID: 17576681, 9536098). Algorithms developed to predict the effect of sequence changes on RNA splicing suggest that this variant may disrupt the consensus splice site. Algorithms developed to predict the effect of missense changes on protein structure and function (SIFT, PolyPhen-2, Align-GVGD) all suggest that this variant is likely to be disruptive. This variant has not been reported in the literature in individuals affected with AP4S1-related conditions. This variant is present in population databases (no rsID available, gnomAD 0.008%). This sequence change replaces glutamic acid, which is acidic and polar, with aspartic acid, which is acidic and polar, at codon 75 of the AP4S1 protein (p.Glu75Asp). This variant also falls at the last nucleotide of exon 3, which is part of the consensus splice site for this exon.

Literature cited by the submitters: PubMed 17576681; PubMed 9536098.

NM_001128126.3(AP4S1):c.225G>C (p.Glu75Asp)

Gene: AP4S1 (adaptor related protein complex 4 subunit sigma 1; plus strand). Cytogenetic location: 14q12.
Variant type: single nucleotide variant.
Coding change: c.225G>C on transcript NM_001128126.3 (MANE Select); coding-DNA position 225, G replaced by C.
Protein change: p.Glu75Asp; replaces glutamic acid 75 with aspartic acid.
Molecular consequence: missense variant.
Genome position (GRCh38, 1-based): chr14:31,069,929, G>C. VCF-style: chr14-31069929-G-C. GRCh37 (hg19) VCF-style: chr14-31539135-G-C.
Other names: c.225G>C, p.Glu75Asp (NM_001254726.2, NM_001254727.2, NM_001254728.2 and 2 more transcripts); short protein forms E75D.
Identifiers: ClinVar variation 1914828 (VCV001914828.5), dbSNP rs955904625, ClinGen allele CA258576410.
Genomic context (GRCh38, chr14:31,069,929, plus strand): 5'-TAAGCTGATATATCGGCAGTATGCAGCTCTCTTCATTGTGGTTGGAGTTAATGACACTGA[G>C]GTAAGATAATAGAAGAGCCCTTGGAAAATGCAAGAATTTCTTTCTACTTGCCTCCCTAAG-3'
Protein context (NP_001121598.1, residues 65-85): LFIVVGVNDT[Glu75Asp]NEMAIYEFIH